The following is an entry in ClinVar:

NM_080473.5(GATA5):c.746C>T (p.Thr249Ile)

Gene: GATA5 (GATA binding protein 5; minus strand). Cytogenetic location: 20q13.33.
Variant type: single nucleotide variant.
Coding change: c.746C>T on transcript NM_080473.5 (MANE Select); coding-DNA position 746, C replaced by T.
Protein change: p.Thr249Ile; replaces threonine 249 with isoleucine.
Molecular consequence: missense variant.
Genome position (GRCh38, 1-based): chr20:62,466,505, G>A on the plus strand (C>T on the coding strand, the complement: GATA5 is on the minus strand). VCF-style: chr20-62466505-G-A. GRCh37 (hg19) VCF-style: chr20-61041561-G-A.
Other names: short protein forms T249I.
Identifiers: ClinVar variation 1371645 (VCV001371645.6), dbSNP rs2146481402, ClinGen allele CA409553986.
Genomic context (GRCh38, chr20:62,466,505, plus strand): 5'-AGGCCGCAGGCATTGCACACGGGCTCCCCCTCCGAGTTCCGCCGCCACAGCGTGGTGTTG[G>A]TCGTGTGGCAGTTGGTGCAGCAGAGGCCGGCGCGGCGGGACGAGGACTGTGGGGGCGAGG-3'
Protein context (NP_536721.1, residues 239-259): AGLCCTNCHT[Thr249Ile]NTTLWRRNSE

ClinVar aggregate classification (germline): Uncertain significance (1 of 4 stars; one submission).

Submission:

Labcorp Genetics (formerly Invitae), Labcorp
Classification: Uncertain significance. Last evaluated: 2022-07-05. Review status: criteria provided, single submitter. Criteria: Invitae Variant Classification Sherloc (09022015). Collection method: clinical testing. Allele origin: germline.
Comment: This variant is not present in population databases (gnomAD no frequency). This sequence change replaces threonine, which is neutral and polar, with isoleucine, which is neutral and non-polar, at codon 249 of the GATA5 protein (p.Thr249Ile). In summary, the available evidence is currently insufficient to determine the role of this variant in disease. Therefore, it has been classified as a Variant of Uncertain Significance. Algorithms developed to predict the effect of missense changes on protein structure and function are either unavailable or do not agree on the potential impact of this missense change (SIFT: "Deleterious"; PolyPhen-2: "Benign"; Align-GVGD: "Class C0"). ClinVar contains an entry for this variant (Variation ID: 1371645). This variant has not been reported in the literature in individuals affected with GATA5-related conditions.